The following is an entry in ClinVar:

NM_014251.3(SLC25A13):c.329-2A>G

Gene: SLC25A13 (solute carrier family 25 member 13; minus strand). Cytogenetic location: 7q21.3.
Variant type: single nucleotide variant.
Coding change: c.329-2A>G on transcript NM_014251.3 (MANE Select); the canonical splice acceptor site of the intron before coding-DNA position 329, A replaced by G.
Molecular consequence: splice acceptor variant.
Genome position (GRCh38, 1-based): chr7:96,208,979, T>C on the plus strand (A>G on the coding strand, the complement: SLC25A13 is on the minus strand). VCF-style: chr7-96208979-T-C. GRCh37 (hg19) VCF-style: chr7-95838291-T-C.
Other names: c.329-2A>G (NM_001160210.2).
Identifiers: ClinVar variation 2811230 (VCV002811230.3), dbSNP rs2485894796, ClinGen allele CA368407096.

ClinVar aggregate classification (germline): Likely pathogenic (1 of 4 stars; one submission).

Conditions:
Citrin deficiency. Identifiers: Orphanet 247582, MedGen C1997910, MONDO:0016602.

Submission:

Labcorp Genetics (formerly Invitae), Labcorp
Classification: Likely pathogenic for Citrin deficiency. Last evaluated: 2022-11-01. Review status: criteria provided, single submitter. Criteria: Invitae Variant Classification Sherloc (09022015). Collection method: clinical testing. Allele origin: germline.
Comment: This variant has not been reported in the literature in individuals affected with SLC25A13-related conditions. This variant is not present in population databases (gnomAD no frequency). This sequence change affects an acceptor splice site in intron 4 of the SLC25A13 gene. It is expected to disrupt RNA splicing. Variants that disrupt the donor or acceptor splice site typically lead to a loss of protein function (PMID: 16199547), and loss-of-function variants in SLC25A13 are known to be pathogenic (PMID: 10369257, 14680984, 27405544). In summary, the currently available evidence indicates that the variant is pathogenic, but additional data are needed to prove that conclusively. Therefore, this variant has been classified as Likely Pathogenic. Algorithms developed to predict the effect of sequence changes on RNA splicing suggest that this variant may disrupt the consensus splice site.

Literature cited by the submitters: PubMed 16199547; PubMed 10369257; PubMed 14680984; PubMed 27405544.